The following is an entry in ClinVar:

NM_000281.4(PCBD1):c.205G>A (p.Val69Met)

Gene: PCBD1 (pterin-4 alpha-carbinolamine dehydratase 1; minus strand). Cytogenetic location: 10q22.1.
Variant type: single nucleotide variant.
Coding change: c.205G>A on transcript NM_000281.4 (MANE Select); coding-DNA position 205, G replaced by A.
Protein change: p.Val69Met; replaces valine 69 with methionine.
Molecular consequence: missense variant.
Genome position (GRCh38, 1-based): chr10:70,885,163, C>T on the plus strand (G>A on the coding strand, the complement: PCBD1 is on the minus strand). VCF-style: chr10-70885163-C-T. GRCh37 (hg19) VCF-style: chr10-72644920-C-T.
Other names: c.58G>A, p.Val20Met (NM_001289797.2); c.205G>A, p.Val69Met (NM_001323004.2); short protein forms V69M, V20M.
Identifiers: ClinVar variation 300347 (VCV000300347.9), dbSNP rs200188190, ClinGen allele CA5541599.

ClinVar aggregate classification (germline): Uncertain significance. Review status: criteria provided, multiple submitters, no conflicts (2 of 4 stars). 6 submissions from 6 submitters: Uncertain significance (3). 3 of the submissions do not count toward it. Last evaluated 2024-04-19.

Conditions:
Pterin-4 alpha-carbinolamine dehydratase 1 deficiency. Also called: Hyperphenylalaninemia due to dehydratase deficiency; CADH DEFICIENCY; HYPERPHENYLALANINEMIA WITH PRIMAPTERINURIA; HYPERPHENYLALANINEMIA, TETRAHYDROBIOPTERIN-DEFICIENT, DUE TO PTERIN-4-ALPHA-CARBINOLAMINE DEHYDRATASE DEFICIENCY. Identifiers: Orphanet 1578, Orphanet 238583, MedGen C1849700, MONDO:0009908, OMIM 264070.

Allele frequency attached by ClinVar (database versions not stated): gnomAD 0.00011 and 0.00012; TOPMed 0.00011; ESP Exome Variant Server 0.00015; 1000 Genomes Project 0.00020; gnomAD exomes 0.00022 and 0.00030; 1000 Genomes Project 30x 0.00031; ExAC 0.00040.
gnomAD v4.1: 335 of 1,613,540 alleles (0.021%); highest among the groups gnomAD compares: Non-Finnish European, 0.026%; 1 homozygote.

Submissions (6):

Fulgent Genetics
Classification: Uncertain significance for Pterin-4 alpha-carbinolamine dehydratase 1 deficiency. Last evaluated: 2024-04-19. Review status: criteria provided, single submitter. Criteria: ACMG Guidelines, 2015. Collection method: clinical testing. Allele origin: germline.

Labcorp Genetics (formerly Invitae), Labcorp
Classification: Uncertain significance for Pterin-4 alpha-carbinolamine dehydratase 1 deficiency. Last evaluated: 2022-10-17. Review status: criteria provided, single submitter. Criteria: Invitae Variant Classification Sherloc (09022015). Collection method: clinical testing. Allele origin: germline.
Comment: This sequence change replaces valine, which is neutral and non-polar, with methionine, which is neutral and non-polar, at codon 69 of the PCBD1 protein (p.Val69Met). This variant is present in population databases (rs200188190, gnomAD 0.06%). This variant has not been reported in the literature in individuals affected with PCBD1-related conditions. ClinVar contains an entry for this variant (Variation ID: 300347). Algorithms developed to predict the effect of missense changes on protein structure and function are either unavailable or do not agree on the potential impact of this missense change (SIFT: "Deleterious"; PolyPhen-2: "Possibly Damaging"; Align-GVGD: "Class C0"). In summary, the available evidence is currently insufficient to determine the role of this variant in disease. Therefore, it has been classified as a Variant of Uncertain Significance.

Illumina Laboratory Services, Illumina
Classification: Uncertain significance for Pterin-4 alpha-carbinolamine dehydratase 1 deficiency. Last evaluated: 2018-01-12. Review status: criteria provided, single submitter. Criteria: ICSL Variant Classification Criteria 13 December 2019. Collection method: clinical testing. Allele origin: germline.

Knight Diagnostic Laboratories, Oregon Health and Sciences University
Classification: Uncertain significance for Pterin-4 alpha-carbinolamine dehydratase 1 deficiency. Last evaluated: 2015-12-03. Review status: no assertion criteria provided. Criteria: ACMG Guidelines, 2015. Collection method: clinical testing. Allele origin: germline. Affected: no. Study: CSER-NextGen. Not counted in ClinVar's aggregate classification.

Diagnostic Laboratory, Department of Genetics, University Medical Center Groningen
Classification: Uncertain significance. Review status: no assertion criteria provided. Collection method: clinical testing. Allele origin: germline. Affected: yes. Study: VKGL Data-share Consensus. Not counted in ClinVar's aggregate classification.

Laboratory of Diagnostic Genome Analysis, Leiden University Medical Center (LUMC)
Classification: Uncertain significance. Review status: no assertion criteria provided. Collection method: clinical testing. Allele origin: germline. Affected: yes. Study: VKGL Data-share Consensus. Not counted in ClinVar's aggregate classification.